The following is an entry in ClinVar:

ClinVar aggregate classification (germline): Benign (1 of 4 stars; one submission).

Conditions:
Growth delay due to insulin-like growth factor I resistance. Also called: Somatomedin end-organ insensitivity to; Somatomedin-c resistance to; IGF-1 resistance; IGF-I RESISTANCE; Insulin-Like Growth Factor I Resistance. Identifiers: Orphanet 73273, MedGen C1849157, MONDO:0010038, OMIM 270450.

Allele frequency attached by ClinVar (database versions not stated): gnomAD exomes 0.00091; gnomAD 0.00142 and 0.00144; 1000 Genomes Project 0.00280; 1000 Genomes Project 30x 0.00312; TOPMed 0.00317.
gnomAD v4.1: 292 of 230,152 alleles (0.13%); highest among the groups gnomAD compares: Admixed American, 1.3%; 3 homozygotes.

Submission:

Illumina Laboratory Services, Illumina
Classification: Benign for Growth delay due to insulin-like growth factor I resistance. Last evaluated: 2018-01-12. Review status: criteria provided, single submitter. Criteria: ICSL Variant Classification Criteria 13 December 2019. Collection method: clinical testing. Allele origin: germline.
Comment: This variant was observed in the ICSL laboratory as part of a predisposition screen in an ostensibly healthy population. It had not been previously curated by ICSL or reported in the Human Gene Mutation Database (HGMD: prior to June 1st, 2018), and was therefore a candidate for classification through an automated scoring system. Utilizing variant allele frequency, disease prevalence and penetrance estimates, and inheritance mode, an automated score was calculated to assess if this variant is too frequent to cause the disease. Based on the score and internal cut-off values, a variant classified as benign is not then subjected to further curation. The score for this variant resulted in a classification of benign for this disease.

NM_000875.5(IGF1R):c.*1228G>A

Gene: IGF1R (insulin like growth factor 1 receptor; plus strand). Cytogenetic location: 15q26.3.
Variant type: single nucleotide variant.
Coding change: c.*1228G>A on transcript NM_000875.5 (MANE Select); 1228 bases downstream of the stop codon, G replaced by A.
Molecular consequence: 3 prime UTR variant.
Genome position (GRCh38, 1-based): chr15:98,958,670, G>A. VCF-style: chr15-98958670-G-A. GRCh37 (hg19) VCF-style: chr15-99501899-G-A.
Other names: c.*1228G>A (NM_001291858.2).
Identifiers: ClinVar variation 317498 (VCV000317498.5), dbSNP rs187193143, ClinGen allele CA10646739.